The following is an entry in ClinVar:

ClinVar aggregate classification (germline): Uncertain significance. Review status: criteria provided, multiple submitters, no conflicts (2 of 4 stars). 3 submissions from 3 submitters: Uncertain significance (3). Last evaluated 2025-12-31.

Conditions:
Cardiovascular phenotype. Identifiers: MedGen CN230736.
Brugada syndrome 8 (BRGDA8). Identifiers: Orphanet 130, MedGen C2751083, MONDO:0013148, OMIM 613123.

Allele frequency attached by ClinVar (database versions not stated): gnomAD exomes below 0.00001; TOPMed 0.00002.
gnomAD v4.1: 9 of 1,614,058 alleles (0.00056%); highest among the groups gnomAD compares: East Asian, 0.0022%; no homozygotes.

Submissions (3):

Labcorp Genetics (formerly Invitae), Labcorp
Classification: Uncertain significance for Brugada syndrome 8. Last evaluated: 2025-12-31. Review status: criteria provided, single submitter. Criteria: Invitae Variant Classification Sherloc (09022015). Collection method: clinical testing. Allele origin: germline.
Comment: This sequence change replaces arginine, which is basic and polar, with cysteine, which is neutral and slightly polar, at codon 387 of the HCN4 protein (p.Arg387Cys). This variant is present in population databases (no rsID available, gnomAD 0.0009%). This variant has not been reported in the literature in individuals affected with HCN4-related conditions. ClinVar contains an entry for this variant (Variation ID: 998731). Invitae Evidence Modeling of protein sequence and biophysical properties (such as structural, functional, and spatial information, amino acid conservation, physicochemical variation, residue mobility, and thermodynamic stability) indicates that this missense variant is expected to disrupt HCN4 protein function with a positive predictive value of 95%. In summary, the available evidence is currently insufficient to determine the role of this variant in disease. Therefore, it has been classified as a Variant of Uncertain Significance.

Ambry Genetics
Classification: Uncertain significance for Cardiovascular phenotype. Last evaluated: 2025-07-06. Review status: criteria provided, single submitter. Criteria: Ambry Variant Classification Scheme 2023. Collection method: clinical testing. Allele origin: germline.
Comment: The p.R387C variant (also known as c.1159C>T), located in coding exon 2 of the HCN4 gene, results from a C to T substitution at nucleotide position 1159. The arginine at codon 387 is replaced by cysteine, an amino acid with highly dissimilar properties. This amino acid position is highly conserved in available vertebrate species. In addition, this alteration is predicted to be deleterious by in silico analysis. Since supporting evidence is limited at this time, the clinical significance of this alteration remains unclear.

GeneDx
Classification: Uncertain significance. Last evaluated: 2023-07-24. Review status: criteria provided, single submitter. Criteria: GeneDx Variant Classification Process June 2021. Collection method: clinical testing. Allele origin: germline. Affected: yes.
Comment: Not observed at significant frequency in large population cohorts (gnomAD); In silico analysis supports that this missense variant has a deleterious effect on protein structure/function; Has not been previously published as pathogenic or benign to our knowledge

NM_005477.3(HCN4):c.1159C>T (p.Arg387Cys)

Genes: HCN4 (hyperpolarization activated cyclic nucleotide gated potassium channel 4; minus strand), LOC105370890 (uncharacterized LOC105370890; plus strand), LOC126862173 (CDK7 strongly-dependent group 2 enhancer GRCh37_chr15:73635762-73636961; plus strand). Cytogenetic location: 15q24.1.
Variant type: single nucleotide variant.
Coding change: c.1159C>T on transcript NM_005477.3 (MANE Select); coding-DNA position 1159, C replaced by T.
Protein change: p.Arg387Cys; replaces arginine 387 with cysteine.
Molecular consequence: missense variant.
Genome position (GRCh38, 1-based): chr15:73,343,435, G>A on the plus strand (C>T on the coding strand, the complement: HCN4 is on the minus strand). VCF-style: chr15-73343435-G-A. GRCh37 (hg19) VCF-style: chr15-73635776-G-A.
Other names: short protein forms R387C.
Identifiers: ClinVar variation 998731 (VCV000998731.12), dbSNP rs1420807618, ClinGen allele CA393094723.
Genomic context (GRCh38, chr15:73,343,435, plus strand): 5'-GACCACTTACCTCTTCCCACTGGTGAATATATCGAATGAGGCGGGAGAGGCGTAACAGGC[G>A]TAAGAGGCTGAGGATCTTCGTGAAGCGGACAATGCGCAGGGCCCGGGCAGTCTTGTAGAC-3'
Protein context (NP_005468.1, residues 377-397): VRFTKILSLL[Arg387Cys]LLRLSRLIRY